The following is an entry in ClinVar:

NM_007254.4(PNKP):c.1108G>A (p.Ala370Thr)

Gene: PNKP (polynucleotide kinase 3'-phosphatase; minus strand). Cytogenetic location: 19q13.33.
Variant type: single nucleotide variant.
Coding change: c.1108G>A on transcript NM_007254.4 (MANE Select); coding-DNA position 1108, G replaced by A.
Protein change: p.Ala370Thr; replaces alanine 370 with threonine.
Molecular consequence: missense variant.
Genome position (GRCh38, 1-based): chr19:49,862,203, C>T on the plus strand (G>A on the coding strand, the complement: PNKP is on the minus strand). VCF-style: chr19-49862203-C-T. GRCh37 (hg19) VCF-style: chr19-50365460-C-T.
Other names: short protein forms A370T.
Identifiers: ClinVar variation 1025511 (VCV001025511.6), dbSNP rs945654606, ClinGen allele CA309493774.

ClinVar aggregate classification (germline): Uncertain significance (1 of 4 stars; one submission).

Conditions:
Developmental and epileptic encephalopathy, 12 (DEE12). Identifiers: MedGen C3150988, MONDO:0013389, OMIM 613722.

Allele frequency attached by ClinVar (database versions not stated): gnomAD exomes below 0.00001; gnomAD 0.00001.
gnomAD v4.1: 2 of 1,613,488 alleles (0.00012%); highest among the groups gnomAD compares: African/African-American, 0.0027%; no homozygotes.

Submission:

Labcorp Genetics (formerly Invitae), Labcorp
Classification: Uncertain significance for Developmental and epileptic encephalopathy, 12. Last evaluated: 2021-08-31. Review status: criteria provided, single submitter. Criteria: Invitae Variant Classification Sherloc (09022015). Collection method: clinical testing. Allele origin: germline.
Comment: This sequence change replaces alanine with threonine at codon 370 of the PNKP protein (p.Ala370Thr). The alanine residue is highly conserved and there is a small physicochemical difference between alanine and threonine. This variant is not present in population databases (ExAC no frequency). This variant has not been reported in the literature in individuals affected with PNKP-related conditions. Algorithms developed to predict the effect of missense changes on protein structure and function output the following: SIFT: "Tolerated"; PolyPhen-2: "Benign"; Align-GVGD: "Class C0". The threonine amino acid residue is found in multiple mammalian species, which suggests that this missense change does not adversely affect protein function. In summary, the available evidence is currently insufficient to determine the role of this variant in disease. Therefore, it has been classified as a Variant of Uncertain Significance.